The following is an entry in ClinVar:

NM_000059.4(BRCA2):c.1219_1220insG (p.Gln407fs)

Gene: BRCA2 (BRCA2 DNA repair associated; plus strand). Cytogenetic location: 13q13.1.
Variant type: Insertion.
Coding change: c.1219_1220insG on transcript NM_000059.4 (MANE Select); coding-DNA positions 1219 to 1220, G inserted.
Protein change: p.Gln407fs; shifts the reading frame from glutamine 407.
Molecular consequence: frameshift variant.
Genome position: GRCh38 VCF-style: chr13-32332697-C-CG. GRCh37 (hg19) VCF-style: chr13-32906834-C-CG.
Other names: c.1219_1220insG, p.Gln407Argfs (NM_001406719.1, NM_001406720.1, NM_001406721.1); short protein forms Q407fs.
Identifiers: ClinVar variation 2106483 (VCV002106483.4), dbSNP rs2548519829, ClinGen allele CA2580086960.

ClinVar aggregate classification (germline): Pathogenic (1 of 4 stars; one submission).

Conditions:
Hereditary breast ovarian cancer syndrome. Also called: Hereditary breast and ovarian cancer syndrome; BRCA1- and BRCA2-Associated Hereditary Breast and Ovarian Cancer; Hereditary breast and ovarian cancer; Hereditary breast and/or ovarian cancer syndrome; Hereditary breast and ovarian cancer syndrome (HBOC); Breast and ovarian cancer. Identifiers: Orphanet 145, MedGen C0677776, MeSH D061325, MONDO:0003582. Disease mechanism: loss of function.

Submission:

Labcorp Genetics (formerly Invitae), Labcorp
Classification: Pathogenic for Hereditary breast ovarian cancer syndrome. Last evaluated: 2022-03-03. Review status: criteria provided, single submitter. Criteria: Invitae Variant Classification Sherloc (09022015). Collection method: clinical testing. Allele origin: germline.
Comment: For these reasons, this variant has been classified as Pathogenic. This variant has not been reported in the literature in individuals affected with BRCA2-related conditions. This variant is not present in population databases (gnomAD no frequency). This sequence change creates a premature translational stop signal (p.Gln407Argfs*14) in the BRCA2 gene. It is expected to result in an absent or disrupted protein product. Loss-of-function variants in BRCA2 are known to be pathogenic (PMID: 20104584).

Literature cited by the submitters: PubMed 20104584.